The following is an entry in ClinVar:

NM_000489.6(ATRX):c.5393G>T (p.Arg1798Ile)

Gene: ATRX (ATRX chromatin remodeler; minus strand). Cytogenetic location: Xq21.1.
Variant type: single nucleotide variant.
Coding change: c.5393G>T on transcript NM_000489.6 (MANE Select); coding-DNA position 5393, G replaced by T.
Protein change: p.Arg1798Ile; replaces arginine 1798 with isoleucine.
Molecular consequence: missense variant.
Genome position (GRCh38, 1-based): chrX:77,618,861, C>A on the plus strand (G>T on the coding strand, the complement: ATRX is on the minus strand). VCF-style: chrX-77618861-C-A. GRCh37 (hg19) VCF-style: chrX-76874329-C-A.
Other names: c.5279G>T, p.Arg1760Ile (NM_138270.5); short protein forms R1760I, R1798I.
Identifiers: ClinVar variation 3342450 (VCV003342450.4).

ClinVar aggregate classification (germline): Uncertain significance. Review status: criteria provided, multiple submitters, no conflicts (2 of 4 stars). 2 submissions from 2 submitters: Uncertain significance (2). Last evaluated 2024-11-08.

Conditions:
Alpha thalassemia-X-linked intellectual disability syndrome (ATRX). Also called: ALPHA-THALASSEMIA/MENTAL RETARDATION SYNDROME, X-LINKED; ATR, NONDELETION TYPE; ATR-X syndrome; Alpha thalassemia mental retardation syndrome, nondeletion type, X-linked; XLMR hypotonic face syndrome; X-linked alpha-thalassemia-mental retardation syndrome. Identifiers: Orphanet 847, MedGen C1845055, MONDO:0010519, OMIM 301040.

Submissions (2):

GeneDx
Classification: Uncertain significance. Last evaluated: 2024-11-08. Review status: criteria provided, single submitter. Criteria: GeneDx Variant Classification Process June 2021. Collection method: clinical testing. Allele origin: germline.
Comment: Not observed at significant frequency in large population cohorts (gnomAD); In silico analysis supports that this missense variant has a deleterious effect on protein structure/function; Has not been previously published as pathogenic or benign to our knowledge

Labcorp Genetics (formerly Invitae), Labcorp
Classification: Uncertain significance for Alpha thalassemia-X-linked intellectual disability syndrome. Last evaluated: 2024-05-23. Review status: criteria provided, single submitter. Criteria: Invitae Variant Classification Sherloc (09022015). Collection method: clinical testing. Allele origin: germline.
Comment: This sequence change replaces arginine, which is basic and polar, with isoleucine, which is neutral and non-polar, at codon 1798 of the ATRX protein (p.Arg1798Ile). This variant is not present in population databases (gnomAD no frequency). This variant has not been reported in the literature in individuals affected with ATRX-related conditions. Advanced modeling of protein sequence and biophysical properties (such as structural, functional, and spatial information, amino acid conservation, physicochemical variation, residue mobility, and thermodynamic stability) performed at Invitae indicates that this missense variant is expected to disrupt ATRX protein function with a positive predictive value of 95%. In summary, the available evidence is currently insufficient to determine the role of this variant in disease. Therefore, it has been classified as a Variant of Uncertain Significance.